The following is an entry in ClinVar:

NM_001127644.2(GABRA1):c.280C>A (p.Arg94Ser)

Gene: GABRA1 (gamma-aminobutyric acid type A receptor subunit alpha1; plus strand). Cytogenetic location: 5q34.
Variant type: single nucleotide variant.
Coding change: c.280C>A on transcript NM_001127644.2 (MANE Select); coding-DNA position 280, C replaced by A.
Protein change: p.Arg94Ser; replaces arginine 94 with serine.
Molecular consequence: missense variant.
Genome position (GRCh38, 1-based): chr5:161,873,141, C>A. VCF-style: chr5-161873141-C-A. GRCh37 (hg19) VCF-style: chr5-161300147-C-A.
Other names: c.280C>A, p.Arg94Ser (NM_000806.5, NM_001127643.2, NM_001127645.2 and 1 more transcripts); short protein forms R94S.
Identifiers: ClinVar variation 1188528 (VCV001188528.2), dbSNP rs1457242041, ClinGen allele CA362178711.

ClinVar aggregate classification (germline): Uncertain significance (1 of 4 stars; one submission).

Submission:

GeneDx
Classification: Uncertain significance. Last evaluated: 2020-12-10. Review status: criteria provided, single submitter. Criteria: GeneDx Variant Classification Process June 2021. Collection method: clinical testing. Allele origin: germline. Affected: yes.
Comment: Not observed in large population cohorts (Lek et al., 2016); In silico analysis supports that this missense variant has a deleterious effect on protein structure/function; In-silico analysis, which includes splice predictors and evolutionary conservation, is inconclusive as to whether the variant alters gene splicing. In the absence of RNA/functional studies, the actual effect of this sequence change is unknown.; Has not been previously published as pathogenic or benign to our knowledge